The following is an entry in ClinVar:

NM_000062.3(SERPING1):c.685+1G>A

Gene: SERPING1 (serpin family G member 1; plus strand). Cytogenetic location: 11q12.1.
Variant type: single nucleotide variant.
Coding change: c.685+1G>A on transcript NM_000062.3 (MANE Select); the canonical splice donor site of the intron after coding-DNA position 685, G replaced by A.
Molecular consequence: splice donor variant.
Genome position (GRCh38, 1-based): chr11:57,602,170, G>A. VCF-style: chr11-57602170-G-A. GRCh37 (hg19) VCF-style: chr11-57369643-G-A.
Other names: c.685+1G>A (NM_001032295.2, NM_000062.2).
Identifiers: ClinVar variation 1459234 (VCV001459234.35), dbSNP rs113263597, ClinGen allele CA223054688.

ClinVar aggregate classification (germline): Conflicting classifications of pathogenicity. Review status: criteria provided, conflicting classifications (1 of 4 stars). 3 submissions from 3 submitters: Pathogenic (2); Uncertain significance (1). Last evaluated 2025-10-22.

Conditions:
Inborn genetic diseases. Identifiers: MedGen C0950123, MeSH D030342.

Submissions (3):

Ambry Genetics
Classification: Uncertain significance for Inborn genetic diseases. Last evaluated: 2025-10-22. Review status: criteria provided, single submitter. Criteria: Ambry Variant Classification Scheme 2023. Collection method: clinical testing. Allele origin: germline.
Comment: The c.685+1G>A intronic variant consists of a G to A substitution one nucleotide after exon 4 (coding exon 3) of the SERPING1 gene. Alterations that disrupt the canonical splice site are expected to result in aberrant splicing. The resulting transcript is predicted to be in-frame and is not expected to trigger nonsense-mediated mRNA decay, although direct evidence is unavailable. This variant was not reported in population-based cohorts in the Genome Aggregation Database (gnomAD). This variant was reported in individual(s) with features consistent with SERPING1-related angioedema (G&ouml;sswein, 2008). This nucleotide position is highly conserved in available vertebrate species. In silico splice site analysis predicts that this alteration will weaken the native splice donor site and will result in the creation or strengthening of a novel splice donor site. Based on insufficient or conflicting evidence, the clinical significance of this alteration remains unclear.

CeGaT Center for Human Genetics Tuebingen
Classification: Pathogenic. Last evaluated: 2023-02-01. Review status: criteria provided, single submitter. Criteria: CeGaT Center For Human Genetics Tuebingen Variant Classification Criteria Version 2. Collection method: clinical testing. Allele origin: germline. Affected: yes. Observed: 1 variant allele.
Comment: SERPING1: PVS1, PS4, PM2

Labcorp Genetics (formerly Invitae), Labcorp
Classification: Pathogenic. Last evaluated: 2021-07-24. Review status: criteria provided, single submitter. Criteria: Invitae Variant Classification Sherloc (09022015). Collection method: clinical testing. Allele origin: germline.
Comment: This variant is not present in population databases (ExAC no frequency). For these reasons, this variant has been classified as Pathogenic. Algorithms developed to predict the effect of sequence changes on RNA splicing suggest that this variant may disrupt the consensus splice site, but this prediction has not been confirmed by published transcriptional studies. Disruption of this splice site has been observed in individual(s) with hereditary angioedema (PMID: 18758157, 18586324). It has also been observed to segregate with disease in related individuals This sequence change affects a donor splice site in intron 4 of the SERPING1 gene. It is expected to disrupt RNA splicing. Variants that disrupt the donor or acceptor splice site typically lead to a loss of protein function (PMID: 16199547), and loss-of-function variants in SERPING1 are known to be pathogenic (PMID: 11112899, 24456027).

Literature cited by the submitters: PubMed 18758157 (cited by Ambry Genetics and Labcorp Genetics (formerly Invitae), Labcorp); PubMed 18586324 (cited by Labcorp Genetics (formerly Invitae), Labcorp); PubMed 16199547 (cited by Labcorp Genetics (formerly Invitae), Labcorp); PubMed 11112899 (cited by Labcorp Genetics (formerly Invitae), Labcorp); PubMed 24456027 (cited by Labcorp Genetics (formerly Invitae), Labcorp).